The following is an entry in ClinVar:

NM_002471.4(MYH6):c.2366G>A (p.Arg789His)

Gene: MYH6 (myosin heavy chain 6; minus strand). Cytogenetic location: 14q11.2.
Variant type: single nucleotide variant.
Coding change: c.2366G>A on transcript NM_002471.4 (MANE Select); coding-DNA position 2366, G replaced by A.
Protein change: p.Arg789His; replaces arginine 789 with histidine.
Molecular consequence: missense variant.
Genome position (GRCh38, 1-based): chr14:23,396,347, C>T on the plus strand (G>A on the coding strand, the complement: MYH6 is on the minus strand). VCF-style: chr14-23396347-C-T. GRCh37 (hg19) VCF-style: chr14-23865556-C-T.
Other names: short protein forms R789H.
Identifiers: ClinVar variation 1036251 (VCV001036251.14), dbSNP rs534878047, ClinGen allele CA7115487.
Genomic context (GRCh38, chr14:23,396,347, plus strand): 5'-CGTTCCACTATCTTCTTGAACTCAATGCGCATGAGCTGGCCCCGGGCTTGGGCCTGCATG[C>T]GCGTGATGATGCGGCTCAGCCTCTCATCCCGCATCTCCTCCAGCAGCCCAAGCAGCCCTG-3'
Protein context (NP_002462.2, residues 779-799): RDERLSRIIT[Arg789His]MQAQARGQLM

ClinVar aggregate classification (germline): Uncertain significance. Review status: criteria provided, multiple submitters, no conflicts (2 of 4 stars). 5 submissions from 5 submitters: Uncertain significance (3). 2 of the submissions do not count toward it. Last evaluated 2023-09-24.

Conditions:
Cardiovascular phenotype. Identifiers: MedGen CN230736.
Hypertrophic cardiomyopathy 14. Identifiers: MedGen C2750467, MONDO:0013197, OMIM 613251.

Allele frequency attached by ClinVar (database versions not stated): gnomAD 0.00002; gnomAD exomes 0.00002; ExAC 0.00003; 1000 Genomes Project 30x 0.00047; 1000 Genomes Project 0.00060.

Submissions (5):

Ambry Genetics
Classification: Uncertain significance for Cardiovascular phenotype. Last evaluated: 2023-09-24. Review status: criteria provided, single submitter. Criteria: Ambry Variant Classification Scheme 2023. Collection method: clinical testing. Allele origin: germline.
Comment: The p.R789H variant (also known as c.2366G>A), located in coding exon 18 of the MYH6 gene, results from a G to A substitution at nucleotide position 2366. The arginine at codon 789 is replaced by histidine, an amino acid with highly similar properties. This amino acid position is not well conserved in available vertebrate species. In addition, this alteration is predicted to be tolerated by in silico analysis. Since supporting evidence is limited at this time, the clinical significance of this alteration remains unclear.

GeneDx
Classification: Uncertain significance. Last evaluated: 2022-11-09. Review status: criteria provided, single submitter. Criteria: GeneDx Variant Classification Process June 2021. Collection method: clinical testing. Allele origin: germline. Affected: yes.
Comment: In silico analysis supports that this missense variant does not alter protein structure/function; Has not been previously published as pathogenic or benign to our knowledge

Labcorp Genetics (formerly Invitae), Labcorp
Classification: Uncertain significance for Hypertrophic cardiomyopathy 14. Last evaluated: 2021-12-21. Review status: criteria provided, single submitter. Criteria: Invitae Variant Classification Sherloc (09022015). Collection method: clinical testing. Allele origin: germline.
Comment: Algorithms developed to predict the effect of missense changes on protein structure and function are either unavailable or do not agree on the potential impact of this missense change (SIFT: "Deleterious"; PolyPhen-2: "Benign"; Align-GVGD: "Class C0"). ClinVar contains an entry for this variant (Variation ID: 1036251). This variant has not been reported in the literature in individuals affected with MYH6-related conditions. This variant is present in population databases (rs534878047, gnomAD 0.01%). This sequence change replaces arginine, which is basic and polar, with histidine, which is basic and polar, at codon 789 of the MYH6 protein (p.Arg789His). In summary, the available evidence is currently insufficient to determine the role of this variant in disease. Therefore, it has been classified as a Variant of Uncertain Significance.

Clinical Genetics DNA and cytogenetics Diagnostics Lab, Erasmus MC, Erasmus Medical Center
Classification: Uncertain significance. Review status: no assertion criteria provided. Collection method: clinical testing. Allele origin: germline. Affected: yes. Study: VKGL Data-share Consensus. Not counted in ClinVar's aggregate classification.

Clinical Genetics, Academic Medical Center
Classification: Uncertain significance. Review status: no assertion criteria provided. Collection method: clinical testing. Allele origin: germline. Affected: yes. Study: VKGL Data-share Consensus. Not counted in ClinVar's aggregate classification.